The following is an entry in ClinVar:

ClinVar aggregate classification (germline): Benign/Likely benign. Review status: criteria provided, multiple submitters, no conflicts (2 of 4 stars). 10 submissions from 9 submitters: Benign (1); Likely benign (7). 2 of the submissions do not count toward it. Last evaluated 2026-01-28.

Conditions:
USH2A-related disorder. Also called: USH2A-related condition; USH2A-related disorders. Identifiers: MedGen CN239332.
Usher syndrome type 2A. Also called: RETINAL DISEASE IN USHER SYNDROME TYPE IIA, MODIFIER OF; USHER SYNDROME, TYPE IIA. Identifiers: Orphanet 231178, Orphanet 886, MedGen C1848634, MONDO:0010169, OMIM 276901.
Retinitis pigmentosa 39 (RP39). Identifiers: Orphanet 791, MedGen C3151138, MONDO:0013436, OMIM 613809.

Allele frequency attached by ClinVar (database versions not stated): ESP Exome Variant Server 0.00008; gnomAD 0.00026 and 0.00038; TOPMed 0.00027; ExAC 0.00043; gnomAD exomes 0.00049; 1000 Genomes Project 30x 0.00281; 1000 Genomes Project 0.00319.
gnomAD v4.1: 287 of 1,613,980 alleles (0.018%); highest among the groups gnomAD compares: East Asian, 0.29%; 4 homozygotes.

Submissions (10):

Labcorp Genetics (formerly Invitae), Labcorp
Classification: Likely benign. Last evaluated: 2026-01-28. Review status: criteria provided, single submitter. Criteria: Invitae Variant Classification Sherloc (09022015). Collection method: clinical testing. Allele origin: germline.

CeGaT Center for Human Genetics Tuebingen
Classification: Likely benign. Last evaluated: 2024-12-01. Review status: criteria provided, single submitter. Criteria: CeGaT Center For Human Genetics Tuebingen Variant Classification Criteria Version 2. Collection method: clinical testing. Allele origin: germline. Affected: yes. Observed: 1 variant allele.
Comment: USH2A: BP4, BS1:Supporting

Blueprint Genetics
Classification: Likely benign. Last evaluated: 2024-10-17. Review status: criteria provided, single submitter. Criteria: ACMG Guidelines, 2015. Collection method: clinical testing. Allele origin: germline.

Genome-Nilou Lab
Classification: Likely benign for Retinitis pigmentosa 39. Last evaluated: 2023-11-04. Review status: criteria provided, single submitter. Criteria: ACMG Guidelines, 2015. Collection method: clinical testing. Allele origin: germline. Affected: no.

Genome-Nilou Lab
Classification: Likely benign for Usher syndrome type 2A. Last evaluated: 2023-11-04. Review status: criteria provided, single submitter. Criteria: ACMG Guidelines, 2015. Collection method: clinical testing. Allele origin: germline. Affected: no.

Fulgent Genetics
Classification: Likely benign for Usher syndrome type 2A; Retinitis pigmentosa 39. Last evaluated: 2021-11-09. Review status: criteria provided, single submitter. Criteria: ACMG Guidelines, 2015. Collection method: clinical testing. Allele origin: unknown.

GeneDx
Classification: Likely benign. Last evaluated: 2021-04-21. Review status: criteria provided, single submitter. Criteria: GeneDx Variant Classification Process June 2021. Collection method: clinical testing. Allele origin: germline. Affected: yes.
Comment: This variant is associated with the following publications: (PMID: 24938718)

Laboratory for Molecular Medicine, Mass General Brigham Personalized Medicine
Classification: Benign. Last evaluated: 2017-02-16. Review status: criteria provided, single submitter. Criteria: LMM Criteria. Collection method: clinical testing. Allele origin: germline. Observed: 1 variant allele.
Comment: p.Arg2001Cys in exon 30 of USH2A: This variant is not expected to have clinical significance because it has been identified in 0.5% (47/8630) of East Asian chro mosomes by the Exome Aggregation Consortium (ExAC, g; dbSNP rs141539554). In addition, this amino acid position is not highly conse rved in mammals including three mammals (shrew, star-nosed mole, and elephant) w ith a Cysteine (C) at this position.

PreventionGenetics, part of Exact Sciences
Classification: Likely benign for USH2A-related condition. Last evaluated: 2020-07-15. Review status: no assertion criteria provided. Collection method: clinical testing. Allele origin: germline. Not counted in ClinVar's aggregate classification.
Comment: This variant is classified as likely benign based on ACMG/AMP sequence variant interpretation guidelines (Richards et al. 2015 PMID: 25741868, with internal and published modifications).

Natera, Inc.
Classification: Likely benign for Usher syndrome type 2A. Last evaluated: 2019-11-07. Review status: no assertion criteria provided. Collection method: clinical testing. Allele origin: germline. Not counted in ClinVar's aggregate classification.

Literature cited by the submitters: PubMed 24938718 (cited by Laboratory for Molecular Medicine, Mass General Brigham Personalized Medicine).

NM_206933.4(USH2A):c.6001C>T (p.Arg2001Cys)

Gene: USH2A (usherin; minus strand). Cytogenetic location: 1q41.
Variant type: single nucleotide variant.
Coding change: c.6001C>T on transcript NM_206933.4 (MANE Select); coding-DNA position 6001, C replaced by T.
Protein change: p.Arg2001Cys; replaces arginine 2001 with cysteine.
Molecular consequence: missense variant.
Genome position (GRCh38, 1-based): chr1:216,070,149, G>A on the plus strand (C>T on the coding strand, the complement: USH2A is on the minus strand). VCF-style: chr1-216070149-G-A. GRCh37 (hg19) VCF-style: chr1-216243491-G-A.
Other names: short protein forms R2001C.
Identifiers: ClinVar variation 517292 (VCV000517292.35), dbSNP rs141539554, ClinGen allele CA1395278.